The following is an entry in ClinVar:

NM_013275.6(ANKRD11):c.3155T>C (p.Phe1052Ser)

Gene: ANKRD11 (ankyrin repeat domain 11; minus strand). Cytogenetic location: 16q24.3.
Variant type: single nucleotide variant.
Coding change: c.3155T>C on transcript NM_013275.6 (MANE Select); coding-DNA position 3155, T replaced by C.
Protein change: p.Phe1052Ser; replaces phenylalanine 1052 with serine.
Molecular consequence: missense variant.
Genome position (GRCh38, 1-based): chr16:89,283,387, A>G on the plus strand (T>C on the coding strand, the complement: ANKRD11 is on the minus strand). VCF-style: chr16-89283387-A-G. GRCh37 (hg19) VCF-style: chr16-89349795-A-G.
Other names: c.3155T>C, p.Phe1052Ser (NM_001256182.2, NM_001256183.2); short protein forms F1052S.
Identifiers: ClinVar variation 1326791 (VCV001326791.7), dbSNP rs1003255370, ClinGen allele CA286518367.

ClinVar aggregate classification (germline): Conflicting classifications of pathogenicity. Review status: criteria provided, conflicting classifications (1 of 4 stars). 2 submissions from 2 submitters: Uncertain significance (1); Likely benign (1). Last evaluated 2022-08-23.

Conditions:
KBG syndrome (KBGS). Also called: ANKRD11-Related KBG Syndrome. Identifiers: Orphanet 2332, MedGen C0220687, MONDO:0007846, OMIM 148050.

Submissions (2):

Labcorp Genetics (formerly Invitae), Labcorp
Classification: Uncertain significance for KBG syndrome. Last evaluated: 2022-08-23. Review status: criteria provided, single submitter. Criteria: Invitae Variant Classification Sherloc (09022015). Collection method: clinical testing. Allele origin: germline.
Comment: Advanced modeling of protein sequence and biophysical properties (such as structural, functional, and spatial information, amino acid conservation, physicochemical variation, residue mobility, and thermodynamic stability) performed at Invitae indicates that this missense variant is not expected to disrupt ANKRD11 protein function. In summary, the available evidence is currently insufficient to determine the role of this variant in disease. Therefore, it has been classified as a Variant of Uncertain Significance. ClinVar contains an entry for this variant (Variation ID: 1326791). This variant has not been reported in the literature in individuals affected with ANKRD11-related conditions. This variant is not present in population databases (gnomAD no frequency). This sequence change replaces phenylalanine, which is neutral and non-polar, with serine, which is neutral and polar, at codon 1052 of the ANKRD11 protein (p.Phe1052Ser).

GeneDx
Classification: Likely benign. Last evaluated: 2021-12-29. Review status: criteria provided, single submitter. Criteria: GeneDx Variant Classification Process June 2021. Collection method: clinical testing. Allele origin: germline. Affected: yes.
Comment: In silico analysis supports that this missense variant does not alter protein structure/function; Not observed at significant frequency in large population cohorts (Lek et al., 2016); Has not been previously published as pathogenic or benign to our knowledge; This variant is associated with the following publications: (PMID: 27535533)